The following is an entry in ClinVar:

NM_002800.5(PSMB9):c.50T>G (p.Val17Gly)

Gene: PSMB9 (proteasome 20S subunit beta 9; plus strand). Cytogenetic location: 6p21.32.
Variant type: single nucleotide variant.
Coding change: c.50T>G on transcript NM_002800.5 (MANE Select); coding-DNA position 50, T replaced by G.
Protein change: p.Val17Gly; replaces valine 17 with glycine.
Molecular consequence: missense variant.
Genome position (GRCh38, 1-based): chr6:32,854,279, T>G. VCF-style: chr6-32854279-T-G. GRCh37 (hg19) VCF-style: chr6-32822056-T-G.
Other names: short protein forms V17G.
Identifiers: ClinVar variation 4848167 (VCV004848167.1).

ClinVar aggregate classification (germline): Likely benign (1 of 4 stars; one submission).

gnomAD v4.1: 12 of 1,514,808 alleles (0.00079%); highest among the groups gnomAD compares: African/African-American, 0.0014%; no homozygotes.

Submission:

Women's Health and Genetics/Laboratory Corporation of America, LabCorp
Classification: Likely benign. Last evaluated: 2026-02-23. Review status: criteria provided, single submitter. Criteria: LabCorp Variant Classification Summary - May 2015. Collection method: clinical testing. Allele origin: germline.
Comment: Variant summary: PSMB9 c.50T>G (p.Val17Gly) results in a non-conservative amino acid change in the encoded protein sequence. Algorithms developed to predict the effect of missense changes on protein structure and function are either unavailable or do not agree on the potential impact of this missense change. The variant allele was found at a frequency of 7.9e-06 in 1514808 control chromosomes (gnomAD v4). The observed variant frequency exceeds the estimated maximal expected allele frequency for disease-causing variants in PSMB9. To our knowledge, no occurrence of c.50T>G in individuals affected with PSMB9-related conditions and no experimental evidence demonstrating its impact on protein function have been reported. No submitters have cited clinical-significance assessments for this variant to ClinVar. Based on the evidence outlined above, the variant was classified as likely benign.